The following is an entry in ClinVar:

ClinVar aggregate classification (germline): Uncertain significance (1 of 4 stars; one submission).

Allele frequency attached by ClinVar (database versions not stated): gnomAD exomes below 0.00001 and 0.00001.
gnomAD v4.1: 2 of 1,611,472 alleles (0.00012%); highest among the groups gnomAD compares: Admixed American, 0.0033%; no homozygotes.

Submission:

Labcorp Genetics (formerly Invitae), Labcorp
Classification: Uncertain significance. Last evaluated: 2021-07-29. Review status: criteria provided, single submitter. Criteria: Invitae Variant Classification Sherloc (09022015). Collection method: clinical testing. Allele origin: germline.
Comment: This sequence change falls in intron 4 of the ATR gene. It does not directly change the encoded amino acid sequence of the ATR protein. It affects a nucleotide within the consensus splice site of the intron. This variant is not present in population databases (ExAC no frequency). This variant has not been reported in the literature in individuals affected with ATR-related conditions. Nucleotide substitutions within the consensus splice site are a relatively common cause of aberrant splicing (PMID: 17576681, 9536098). Algorithms developed to predict the effect of sequence changes on RNA splicing suggest that this variant is not likely to affect RNA splicing. In summary, the available evidence is currently insufficient to determine the role of this variant in disease. Therefore, it has been classified as a Variant of Uncertain Significance.

Literature cited by the submitters: PubMed 17576681; PubMed 9536098.

NM_001184.4(ATR):c.1171-3C>T

Gene: ATR (ATR checkpoint kinase; minus strand). Cytogenetic location: 3q23.
Variant type: single nucleotide variant.
Coding change: c.1171-3C>T on transcript NM_001184.4 (MANE Select); 3 bases into the intron before coding-DNA position 1171, C replaced by T.
Molecular consequence: intron variant.
Genome position (GRCh38, 1-based): chr3:142,561,424, G>A on the plus strand (C>T on the coding strand, the complement: ATR is on the minus strand). VCF-style: chr3-142561424-G-A. GRCh37 (hg19) VCF-style: chr3-142280266-G-A.
Other names: c.1171-3C>T (NM_001354579.2).
Identifiers: ClinVar variation 1413558 (VCV001413558.6), dbSNP rs1364558770, ClinGen allele CA546894084.